The following is an entry in ClinVar:

ClinVar aggregate classification (germline): Uncertain significance. Review status: criteria provided, multiple submitters, no conflicts (2 of 4 stars). 3 submissions from 3 submitters: Uncertain significance (3). Last evaluated 2025-04-01.

Conditions:
Inborn genetic diseases. Identifiers: MedGen C0950123, MeSH D030342.

Allele frequency attached by ClinVar (database versions not stated): gnomAD exomes 0.00003; gnomAD 0.00004; TOPMed 0.00004; 1000 Genomes Project 30x 0.00016; 1000 Genomes Project 0.00020.

Submissions (3):

Mayo Clinic Laboratories, Mayo Clinic
Classification: Uncertain significance. Last evaluated: 2025-04-01. Review status: criteria provided, single submitter. Criteria: ACMG Guidelines, 2015. Collection method: clinical testing. Allele origin: germline. Observed: 1 variant allele.
Comment: BP4_moderate

Ambry Genetics
Classification: Uncertain significance for Inborn genetic diseases. Last evaluated: 2021-10-12. Review status: criteria provided, single submitter. Criteria: Ambry Variant Classification Scheme 2023. Collection method: clinical testing. Allele origin: germline.

Blueprint Genetics
Classification: Uncertain significance. Last evaluated: 2021-03-11. Review status: criteria provided, single submitter. Criteria: ACMG Guidelines, 2015. Collection method: clinical testing. Allele origin: germline.

NM_001128225.3(SLC39A13):c.602C>T (p.Pro201Leu)

Gene: SLC39A13 (solute carrier family 39 member 13; plus strand). Cytogenetic location: 11p11.2.
Variant type: single nucleotide variant.
Coding change: c.602C>T on transcript NM_001128225.3 (MANE Select); coding-DNA position 602, C replaced by T.
Protein change: p.Pro201Leu; replaces proline 201 with leucine.
Molecular consequence: missense variant. On other transcripts: non-coding transcript variant (1).
Genome position (GRCh38, 1-based): chr11:47,413,464, C>T. VCF-style: chr11-47413464-C-T. GRCh37 (hg19) VCF-style: chr11-47435015-C-T.
Other names: p.Pro201Leu; c.602C>T, p.Pro201Leu (NM_001330245.2, NM_152264.5); short protein forms P201L.
Identifiers: ClinVar variation 2254291 (VCV002254291.4), dbSNP rs560628389, ClinGen allele CA5975837.
Genomic context (GRCh38, chr11:47,413,464, plus strand): 5'-CCAACAAAGACCCCACTGCTGCTGCCGCCGCGCTCAATGGAGGCCACTGTCTGGCCCAGC[C>T]GGCTGCAGAGCCCGGCCTCGGTGCCGTGGTCCGGAGCATCAAAGTGAGTGGCCTGCTCAG-3'
Protein context (NP_001121697.2, residues 191-211): ALNGGHCLAQ[Pro201Leu]AAEPGLGAVV